The following is an entry in ClinVar:

NM_001365276.2(TNXB):c.1685G>A (p.Gly562Asp)

Gene: TNXB (tenascin XB; minus strand). Cytogenetic location: 6p21.33.
Variant type: single nucleotide variant.
Coding change: c.1685G>A on transcript NM_001365276.2 (MANE Select); coding-DNA position 1685, G replaced by A.
Protein change: p.Gly562Asp; replaces glycine 562 with aspartic acid.
Molecular consequence: missense variant.
Genome position (GRCh38, 1-based): chr6:32,096,168, C>T on the plus strand (G>A on the coding strand, the complement: TNXB is on the minus strand). VCF-style: chr6-32096168-C-T. GRCh37 (hg19) VCF-style: chr6-32063945-C-T.
Other names: c.1685G>A, p.Gly562Asp (NM_001428335.1, NM_019105.8); short protein forms G562D.
Identifiers: ClinVar variation 3376266 (VCV003376266.1).

ClinVar aggregate classification (germline): Uncertain significance (1 of 4 stars; one submission).

Conditions:
Ehlers-Danlos syndrome due to tenascin-X deficiency (EDSCLL1). Also called: EDS DUE TO TNX DEFICIENCY; TNX DEFICIENCY; EHLERS-DANLOS SYNDROME, CLASSIC-LIKE; Ehlers-Danlos syndrome, classic-like, 1; TNXB-Related Classical-Like Ehlers-Danlos Syndrome. Identifiers: Orphanet 230839, MedGen C1848029, MONDO:0011670, OMIM 606408.

gnomAD v4.1: 14 of 1,576,710 alleles (0.00089%); highest among the groups gnomAD compares: Non-Finnish European, 0.0012%; no homozygotes.

Submission:

Pittsburgh Clinical Genomics Laboratory, University of Pittsburgh Medical Center
Classification: Uncertain significance for Ehlers-Danlos syndrome due to tenascin-X deficiency. Last evaluated: 2023-09-20. Review status: criteria provided, single submitter. Criteria: ACMG Guidelines, 2015. Collection method: clinical testing. Allele origin: germline. Inheritance: Autosomal recessive inheritance. Affected: yes.
Comment: This sequence variant is a single nucleotide substitution (G>A) at position 1685 of the coding sequence of the TNXB gene that results in a glycine to aspartic acid amino acid change at residue 562 of the tescin XB protein. The 562 residue falls in the 14th EGF-like domain (PMID: 25793578). This variant is absent from ClinVar and from the gnomAD population database (0/~200,000 alleles). Multiple bioinformatic tools predict that this Gly to Asp amino acid change would be neutral, and the Gly562 residue at this position is poorly conserved across the vertebrate species examined. Studies examining the functiol consequence of this variant have not been performed, to our knowledge. At this time, there is insufficient evidence to determine if this variant is pathogenic or benign. Therefore, we consider this a variant of uncertain significance. ACMG Criteria: BP1, BP4, PM2

Literature cited by the submitters: PubMed 25793578.